The following is an entry in ClinVar:

ClinVar aggregate classification (germline): Pathogenic (1 of 4 stars; one submission).

Conditions:
Charcot-Marie-Tooth disease type 2. Also called: Charcot-Marie-Tooth type 2. Identifiers: Orphanet 64746, MedGen C0270914, MONDO:0018993.

Submission:

Labcorp Genetics (formerly Invitae), Labcorp
Classification: Pathogenic for Charcot-Marie-Tooth disease type 2. Last evaluated: 2021-01-06. Review status: criteria provided, single submitter. Criteria: Invitae Variant Classification Sherloc (09022015). Collection method: clinical testing. Allele origin: germline.
Comment: This sequence change creates a premature translational stop signal (p.Gln323*) in the BSCL2 gene. It is expected to result in an absent or disrupted protein product. Loss-of-function variants in BSCL2 are known to be pathogenic (PMID: 11479539, 23564749). This variant has not been reported in the literature in individuals with BSCL2-related conditions. This variant is not present in population databases (ExAC no frequency). For these reasons, this variant has been classified as Pathogenic.

Literature cited by the submitters: PubMed 11479539; PubMed 23564749.

NM_001122955.4(BSCL2):c.1159C>T (p.Gln387Ter)

Genes: BSCL2 (BSCL2 lipid droplet biogenesis associated, seipin; minus strand), HNRNPUL2-BSCL2 (HNRNPUL2-BSCL2 readthrough (NMD candidate); minus strand). Cytogenetic location: 11q12.3.
Variant type: single nucleotide variant.
Coding change: c.1159C>T on transcript NM_001122955.4 (MANE Select); coding-DNA position 1159, C replaced by T.
Protein change: p.Gln387Ter; replaces glutamine 387 with a stop codon.
Molecular consequence: nonsense. On other transcripts: non-coding transcript variant (1), synonymous variant (1).
Genome position (GRCh38, 1-based): chr11:62,690,687, G>A on the plus strand (C>T on the coding strand, the complement: BSCL2 is on the minus strand). VCF-style: chr11-62690687-G-A. GRCh37 (hg19) VCF-style: chr11-62458159-G-A.
Other names: c.825C>T, p.Val275= (NM_001130702.2); c.1165C>T, p.Gln389Ter (NM_001386027.1); c.1159C>T, p.Gln387Ter (NM_001386028.1); c.967C>T, p.Gln323Ter (NM_032667.6); short protein forms Q323*, Q387*, Q389*.
Identifiers: ClinVar variation 1359323 (VCV001359323.6), dbSNP rs2134689565, ClinGen allele CA380955978.